The following is an entry in ClinVar:

ClinVar aggregate classification (germline): Likely benign (1 of 4 stars; one submission).

Conditions:
TRIO-related disorder. Also called: TRIO-related disorders; TRIO-related condition.

gnomAD v4.1: 105 of 1,613,228 alleles (0.0065%); highest among the groups gnomAD compares: East Asian, 0.011%; no homozygotes.

Submission:

PreventionGenetics, part of Exact Sciences
Classification: Likely benign for TRIO-related condition. Last evaluated: 2026-01-26. Review status: criteria provided, single submitter. Criteria: ACMG Guidelines, 2015. Collection method: clinical testing. Allele origin: germline.
Comment: This variant is classified as likely benign based on ACMG/AMP sequence variant interpretation guidelines (Richards et al. 2015 PMID: 25741868, with internal and published modifications).

NM_007118.4(TRIO):c.4959+10T>C

Genes: TRIO (trio Rho guanine nucleotide exchange factor; plus strand), LOC126807322 (P300/CBP strongly-dependent group 1 enhancer GRCh37_chr5:14406263-14407462; plus strand). Cytogenetic location: 5p15.2.
Variant type: single nucleotide variant.
Coding change: c.4959+10T>C on transcript NM_007118.4 (MANE Select); 10 bases into the intron after coding-DNA position 4959, T replaced by C.
Molecular consequence: intron variant.
Genome position (GRCh38, 1-based): chr5:14,406,682, T>C. VCF-style: chr5-14406682-T-C. GRCh37 (hg19) VCF-style: chr5-14406791-T-C.
Identifiers: ClinVar variation 4990474 (VCV004990474.1).